The following is an entry in ClinVar:

ClinVar aggregate classification (germline): Uncertain significance (1 of 4 stars; one submission).

Allele frequency attached by ClinVar (database versions not stated): TOPMed below 0.00001; ExAC 0.00001; gnomAD 0.00001.
gnomAD v4.1: 19 of 1,614,050 alleles (0.0012%); highest among the groups gnomAD compares: Non-Finnish European, 0.0014%; no homozygotes.

Submission:

Labcorp Genetics (formerly Invitae), Labcorp
Classification: Uncertain significance. Last evaluated: 2023-01-01. Review status: criteria provided, single submitter. Criteria: Invitae Variant Classification Sherloc (09022015). Collection method: clinical testing. Allele origin: germline.
Comment: This sequence change replaces aspartic acid, which is acidic and polar, with asparagine, which is neutral and polar, at codon 59 of the BLK protein (p.Asp59Asn). This variant also falls at the last nucleotide of exon 3, which is part of the consensus splice site for this exon. This variant is present in population databases (rs773488674, gnomAD 0.002%). This variant has not been reported in the literature in individuals affected with BLK-related conditions. Algorithms developed to predict the effect of missense changes on protein structure and function (SIFT, PolyPhen-2, Align-GVGD) all suggest that this variant is likely to be tolerated. Variants that disrupt the consensus splice site are a relatively common cause of aberrant splicing (PMID: 17576681, 9536098). In summary, the available evidence is currently insufficient to determine the role of this variant in disease. Therefore, it has been classified as a Variant of Uncertain Significance.

Literature cited by the submitters: PubMed 17576681; PubMed 9536098.

NM_001715.3(BLK):c.175G>A (p.Asp59Asn)

Gene: BLK (BLK proto-oncogene, Src family tyrosine kinase). Cytogenetic location: 8p23.1.
Variant type: single nucleotide variant.
Coding change: c.175G>A on transcript NM_001715.3 (MANE Select); coding-DNA position 175, G replaced by A.
Protein change: p.Asp59Asn; replaces aspartic acid 59 with asparagine.
Molecular consequence: missense variant. On other transcripts: 5 prime UTR variant (1).
Genome position (GRCh38, 1-based): chr8:11,546,103, G>A. VCF-style: chr8-11546103-G-A. GRCh37 (hg19) VCF-style: chr8-11403612-G-A.
Other names: c.-39G>A (NM_001330465.2); short protein forms D59N.
Identifiers: ClinVar variation 3012134 (VCV003012134.3), dbSNP rs773488674, ClinGen allele CA4629720.